The following is an entry in ClinVar:

ClinVar aggregate classification (germline): Likely benign. Review status: criteria provided, single submitter (1 of 4 stars). 2 submissions from 2 submitters: Likely benign (1). 1 of the submissions does not count toward it. Last evaluated 2024-10-25.

Conditions:
NPHP1-related disorder. Also called: NPHP1-related condition; NPHP1-related disorders.
Nephronophthisis. Also called: Juvenile Nephronophthisis. Identifiers: Orphanet 655, MedGen C0687120, MONDO:0019005, HP:0000090.

gnomAD v4.1: 11 of 1,602,912 alleles (0.00069%); highest among the groups gnomAD compares: East Asian, 0.0067%; no homozygotes.

Submissions (2):

Labcorp Genetics (formerly Invitae), Labcorp
Classification: Likely benign for Nephronophthisis. Last evaluated: 2024-10-25. Review status: criteria provided, single submitter. Criteria: Invitae Variant Classification Sherloc (09022015). Collection method: clinical testing. Allele origin: germline.

PreventionGenetics, part of Exact Sciences
Classification: Likely benign for NPHP1-related condition. Last evaluated: 2024-08-28. Review status: no assertion criteria provided. Collection method: clinical testing. Allele origin: germline. Not counted in ClinVar's aggregate classification.
Comment: This variant is classified as likely benign based on ACMG/AMP sequence variant interpretation guidelines (Richards et al. 2015 PMID: 25741868, with internal and published modifications).

NM_001128178.3(NPHP1):c.859+8G>A

Gene: NPHP1 (nephrocystin 1; minus strand). Cytogenetic location: 2q13.
Variant type: single nucleotide variant.
Coding change: c.859+8G>A on transcript NM_001128178.3 (MANE Select); 8 bases into the intron after coding-DNA position 859, G replaced by A.
Molecular consequence: intron variant.
Genome position (GRCh38, 1-based): chr2:110,163,040, C>T on the plus strand (G>A on the coding strand, the complement: NPHP1 is on the minus strand). VCF-style: chr2-110163040-C-T. GRCh37 (hg19) VCF-style: chr2-110920617-C-T.
Other names: c.670+8G>A (NM_001128179.3); c.856+8G>A (NM_001374256.1); c.859+8G>A (NM_001374257.1); c.1024+8G>A (NM_207181.4); c.1027+8G>A (NM_000272.5, NM_000272.3).
Identifiers: ClinVar variation 1674410 (VCV001674410.9), dbSNP rs765856771, ClinGen allele CA1827207.
Genomic context (GRCh38, chr2:110,163,040, plus strand): 5'-CAGAAAAATTAGACGTGGATCTTGACTGCTTTGCTGAAAGAGTGCAGTGGCTGATAGGCA[C>T]GCATTACCTTCCTCCAGAAGCTGTGAGAGCGTGGAAGGCCTGAACCCTGCAGGAATAGCT-3'